The following is an entry in ClinVar:

NM_002072.5(GNAQ):c.736-6_736-5del

Gene: GNAQ (G protein subunit alpha q; minus strand). Cytogenetic location: 9q21.2.
Variant type: Deletion.
Coding change: c.736-6_736-5del on transcript NM_002072.5 (MANE Select); 6 bases into the intron before coding-DNA position 736 through 5 bases into the intron before coding-DNA position 736, 2 bases deleted (TT; older notation c.736-6_736-5delTT).
Molecular consequence: intron variant.
Genome position (GRCh38, 1-based): chr9:77,728,672-77,728,673, AA deleted on the plus strand (TT on the coding strand, the reverse complement: GNAQ is on the minus strand); deleting any 2 consecutive bases within chr9:77,728,672-77,728,685 gives the same sequence; the c. name uses the placement nearest the transcript's 3' end. VCF-style (leftmost placement, unchanged base first): chr9-77728671-GAA-G. GRCh37 (hg19) VCF-style: chr9-80343587-GAA-G.
Identifiers: ClinVar variation 3040162 (VCV003040162.2), dbSNP rs5898555, ClinGen allele CA5094562.

ClinVar aggregate classification (germline): Likely benign (0 of 4 stars; one submission).

Conditions:
GNAQ-related disorder. Also called: GNAQ-related condition.

Submission:

PreventionGenetics, part of Exact Sciences
Classification: Likely benign for GNAQ-related condition. Last evaluated: 2019-10-28. Review status: no assertion criteria provided. Collection method: clinical testing. Allele origin: germline.
Comment: This variant is classified as likely benign based on ACMG/AMP sequence variant interpretation guidelines (Richards et al. 2015 PMID: 25741868, with internal and published modifications).